The following is an entry in ClinVar:

NM_001371928.1(AHDC1):c.1219G>A (p.Ala407Thr)

Gene: AHDC1 (AT-hook DNA binding motif containing 1; minus strand). Cytogenetic location: 1p36.11.
Variant type: single nucleotide variant.
Coding change: c.1219G>A on transcript NM_001371928.1 (MANE Select); coding-DNA position 1219, G replaced by A.
Protein change: p.Ala407Thr; replaces alanine 407 with threonine.
Molecular consequence: missense variant.
Genome position (GRCh38, 1-based): chr1:27,550,897, C>T on the plus strand (G>A on the coding strand, the complement: AHDC1 is on the minus strand). VCF-style: chr1-27550897-C-T. GRCh37 (hg19) VCF-style: chr1-27877408-C-T.
Other names: c.1219G>A, p.Ala407Thr (NM_001029882.3); short protein forms A407T.
Identifiers: ClinVar variation 3610404 (VCV003610404.2).
Genomic context (GRCh38, chr1:27,550,897, plus strand): 5'-CCAGGGCAGCCACCAGCCCCGTGGGCATAGGCAGGGGCAGTAGGCGGCCCTCGGGTCCGG[C>T]GTCTGCCTTGCGTCCCCGTCCGGCTTTCCGCCGGCGACACAGGATCTTTGGCCTATCAGT-3'
Protein context (NP_001358857.1, residues 397-417): RKAGRGRKAD[Ala407Thr]GPEGRLLPLP

ClinVar aggregate classification (germline): Uncertain significance (1 of 4 stars; one submission).

gnomAD v4.1: 16 of 1,592,754 alleles (0.001%); highest among the groups gnomAD compares: South Asian, 0.0089%; no homozygotes.

Submission:

Labcorp Genetics (formerly Invitae), Labcorp
Classification: Uncertain significance. Last evaluated: 2024-02-15. Review status: criteria provided, single submitter. Criteria: Invitae Variant Classification Sherloc (09022015). Collection method: clinical testing. Allele origin: germline.
Comment: This sequence change replaces alanine, which is neutral and non-polar, with threonine, which is neutral and polar, at codon 407 of the AHDC1 protein (p.Ala407Thr). The frequency data for this variant in the population databases is considered unreliable, as metrics indicate poor data quality at this position in the gnomAD database. This variant has not been reported in the literature in individuals affected with AHDC1-related conditions. Algorithms developed to predict the effect of missense changes on protein structure and function output the following: SIFT: "Not Available"; PolyPhen-2: "Possibly Damaging"; Align-GVGD: "Not Available". The threonine amino acid residue is found in multiple mammalian species, which suggests that this missense change does not adversely affect protein function. In summary, the available evidence is currently insufficient to determine the role of this variant in disease. Therefore, it has been classified as a Variant of Uncertain Significance.